The following is an entry in ClinVar:

ClinVar aggregate classification (germline): Uncertain significance (1 of 4 stars; one submission).

Conditions:
Combined immunodeficiency due to LRBA deficiency. Also called: Common variable immunodeficiency 8, with autoimmunity. Identifiers: Orphanet 445018, MedGen C3553512, MONDO:0013863, OMIM 614700.

Allele frequency attached by ClinVar (database versions not stated): gnomAD exomes below 0.00001.
gnomAD v4.1: 2 of 1,612,580 alleles (0.00012%); highest among the groups gnomAD compares: South Asian, 0.0022%; no homozygotes.

Submission:

Labcorp Genetics (formerly Invitae), Labcorp
Classification: Uncertain significance for Combined immunodeficiency due to LRBA deficiency. Last evaluated: 2024-02-17. Review status: criteria provided, single submitter. Criteria: Invitae Variant Classification Sherloc (09022015). Collection method: clinical testing. Allele origin: germline.
Comment: This sequence change replaces methionine, which is neutral and non-polar, with valine, which is neutral and non-polar, at codon 704 of the LRBA protein (p.Met704Val). This variant is not present in population databases (gnomAD no frequency). This variant has not been reported in the literature in individuals affected with LRBA-related conditions. ClinVar contains an entry for this variant (Variation ID: 1476978). Advanced modeling of protein sequence and biophysical properties (such as structural, functional, and spatial information, amino acid conservation, physicochemical variation, residue mobility, and thermodynamic stability) has been performed at Invitae for this missense variant, however the output from this modeling did not meet the statistical confidence thresholds required to predict the impact of this variant on LRBA protein function. In summary, the available evidence is currently insufficient to determine the role of this variant in disease. Therefore, it has been classified as a Variant of Uncertain Significance.

NM_001364905.1(LRBA):c.2110A>G (p.Met704Val)

Gene: LRBA (LPS responsive beige-like anchor protein; minus strand). Cytogenetic location: 4q31.3.
Variant type: single nucleotide variant.
Coding change: c.2110A>G on transcript NM_001364905.1 (MANE Select); coding-DNA position 2110, A replaced by G.
Protein change: p.Met704Val; replaces methionine 704 with valine.
Molecular consequence: missense variant.
Genome position (GRCh38, 1-based): chr4:150,893,107, T>C on the plus strand (A>G on the coding strand, the complement: LRBA is on the minus strand). VCF-style: chr4-150893107-T-C. GRCh37 (hg19) VCF-style: chr4-151814259-T-C.
Other names: c.2110A>G, p.Met704Val (NM_001199282.3, NM_001367550.1, NM_006726.5); short protein forms M704V.
Identifiers: ClinVar variation 1476978 (VCV001476978.6), dbSNP rs2127098326, ClinGen allele CA358428931.